The following is an entry in ClinVar:

ClinVar aggregate classification (germline): Pathogenic (1 of 4 stars; one submission).

Allele frequency attached by ClinVar (database versions not stated): TOPMed below 0.00001; gnomAD 0.00001; gnomAD exomes 0.00001.
gnomAD v4.1: 11 of 1,614,054 alleles (0.00068%); highest among the groups gnomAD compares: Non-Finnish European, 0.00093%; no homozygotes.

Submission:

Labcorp Genetics (formerly Invitae), Labcorp
Classification: Pathogenic. Last evaluated: 2022-01-18. Review status: criteria provided, single submitter. Criteria: Invitae Variant Classification Sherloc (09022015). Collection method: clinical testing. Allele origin: germline.
Comment: This sequence change creates a premature translational stop signal (p.Glu186*) in the MESDC2 gene. While this is not anticipated to result in nonsense mediated decay, it is expected to disrupt the last 49 amino acid(s) of the MESDC2 protein. This variant is present in population databases (no rsID available, gnomAD 0.007%). This variant has not been reported in the literature in individuals affected with MESDC2-related conditions. This variant disrupts a region of the MESDC2 protein in which other variant(s) (p.Thr203Alafs*26) have been determined to be pathogenic (PMID: 33596325). This suggests that this is a clinically significant region of the protein, and that variants that disrupt it are likely to be disease-causing. For these reasons, this variant has been classified as Pathogenic.

Literature cited by the submitters: PubMed 33596325.

NM_015154.3(MESD):c.556G>T (p.Glu186Ter)

Gene: MESD (mesoderm development LRP chaperone; minus strand). Cytogenetic location: 15q25.1.
Variant type: single nucleotide variant.
Coding change: c.556G>T on transcript NM_015154.3 (MANE Select); coding-DNA position 556, G replaced by T.
Protein change: p.Glu186Ter; replaces glutamic acid 186 with a stop codon.
Molecular consequence: nonsense. On other transcripts: non-coding transcript variant (1).
Genome position (GRCh38, 1-based): chr15:80,979,368, C>A on the plus strand (G>T on the coding strand, the complement: MESD is on the minus strand). VCF-style: chr15-80979368-C-A. GRCh37 (hg19) VCF-style: chr15-81271709-C-A.
Other names: short protein forms E186*.
Identifiers: ClinVar variation 2087817 (VCV002087817.4), dbSNP rs1358762917, ClinGen allele CA393252141.
Genomic context (GRCh38, chr15:80,979,368, plus strand): 5'-CTTGCTTTGTTTTATTTTTCTCTTTGCTTCCTCCTCCTTTGCCGGGGTACACCTGGCCCT[C>A]CAGAGTTACATCAGCACACCTGTCTTGACCGACCAAAAAGTCCTTGATCTCCCAGGCGTA-3'